The following is an entry in ClinVar:

ClinVar aggregate classification (germline): Uncertain significance (1 of 4 stars; one submission).

Conditions:
Bloom syndrome (BLM). Also called: Bloom-Torre-Machacek syndrome. Identifiers: Orphanet 125, MedGen C0005859, MONDO:0008876, OMIM 210900.

Submission:

Labcorp Genetics (formerly Invitae), Labcorp
Classification: Uncertain significance for Bloom syndrome. Last evaluated: 2022-01-11. Review status: criteria provided, single submitter. Criteria: Invitae Variant Classification Sherloc (09022015). Collection method: clinical testing. Allele origin: germline.
Comment: In summary, the available evidence is currently insufficient to determine the role of this variant in disease. Therefore, it has been classified as a Variant of Uncertain Significance. Algorithms developed to predict the effect of missense changes on protein structure and function are either unavailable or do not agree on the potential impact of this missense change (SIFT: "Deleterious"; PolyPhen-2: "Probably Damaging"; Align-GVGD: "Class C0"). This variant has not been reported in the literature in individuals affected with BLM-related conditions. This variant is not present in population databases (gnomAD no frequency). This sequence change replaces phenylalanine, which is neutral and non-polar, with leucine, which is neutral and non-polar, at codon 807 of the BLM protein (p.Phe807Leu).

NM_000057.4(BLM):c.2419T>C (p.Phe807Leu)

Gene: BLM (BLM RecQ like helicase; plus strand). Cytogenetic location: 15q26.1.
Variant type: single nucleotide variant.
Coding change: c.2419T>C on transcript NM_000057.4 (MANE Select); coding-DNA position 2419, T replaced by C.
Protein change: p.Phe807Leu; replaces phenylalanine 807 with leucine.
Molecular consequence: missense variant.
Genome position (GRCh38, 1-based): chr15:90,769,450, T>C. VCF-style: chr15-90769450-T-C. GRCh37 (hg19) VCF-style: chr15-91312680-T-C.
Other names: c.2419T>C, p.Phe807Leu (NM_001287246.2, NM_001287247.2); c.1294T>C, p.Phe432Leu (NM_001287248.2); short protein forms F432L, F807L.
Identifiers: ClinVar variation 2147541 (VCV002147541.4), dbSNP rs2505456365, ClinGen allele CA393845275.